The following is an entry in ClinVar:

ClinVar aggregate classification (germline): Uncertain significance (1 of 4 stars; one submission).

Conditions:
Malignant hyperthermia, susceptibility to, 1 (MHS1). Also called: RYR1-Related Malignant Hyperthermia Susceptibility; Anesthesia related hyperthermia; Malignant hyperpyrexia; Fulminating hyperpyrexia; Pharmacogenic myopathy; Malignant hyperthermia suceptibility 1. Identifiers: Orphanet 423, MedGen C2930980, MONDO:0007783, OMIM 145600.

gnomAD v4.1: 5 of 1,614,170 alleles (0.00031%); highest among the groups gnomAD compares: Non-Finnish European, 0.00042%; no homozygotes.

Submission:

All of Us Research Program, National Institutes of Health
Classification: Uncertain significance for Malignant hyperthermia, susceptibility to, 1. Last evaluated: 2024-06-09. Review status: criteria provided, single submitter. Criteria: ACMG Guidelines, 2015. Collection method: clinical testing. Allele origin: germline. Inheritance: Autosomal dominant inheritance. Observed: 2 variant alleles, 2 heterozygotes.
Comment: This missense variant replaces glutamic acid with aspartic acid at codon 3718 of the RYR1 protein. Computational prediction suggests that this variant may not impact protein structure and function (internally defined REVEL score threshold <= 0.5, PMID: 27666373). To our knowledge, functional studies have not been reported for this variant. This variant has not been reported in individuals affected with RYR1-related disorders in the literature. This variant has not been identified in the general population by the Genome Aggregation Database (gnomAD). The available evidence is insufficient to determine the role of this variant in disease conclusively. Therefore, this variant is classified as a Variant of Uncertain Significance.

This study involves interpretation of variants in research participants for the purpose of population health screening. Participant phenotype was not available at the time of variant classification. Additional details can be found in publication PMID: 35346344, PMCID: PMC8962531

NM_000540.3(RYR1):c.11154G>T (p.Glu3718Asp)

Gene: RYR1 (ryanodine receptor 1; plus strand). Cytogenetic location: 19q13.2.
Variant type: single nucleotide variant.
Coding change: c.11154G>T on transcript NM_000540.3 (MANE Select); coding-DNA position 11154, G replaced by T.
Protein change: p.Glu3718Asp; replaces glutamic acid 3718 with aspartic acid.
Molecular consequence: missense variant.
Genome position (GRCh38, 1-based): chr19:38,532,502, G>T. VCF-style: chr19-38532502-G-T. GRCh37 (hg19) VCF-style: chr19-39023142-G-T.
Other names: c.11139G>T, p.Glu3713Asp (NM_001042723.2); short protein forms E3713D, E3718D.
Identifiers: ClinVar variation 3069707 (VCV003069707.2), dbSNP rs776921141, ClinGen allele CA308084109.
Genomic context (GRCh38, chr19:38,532,502, plus strand): 5'-GGGGTCCTCTCCACCGGGTCCTGACCACTCCCCTGCTTACTTCCCCAGCAAACTGGATGA[G>T]GATTACCTGTACATGGCCTATGCTGATATCATGGCAAAGGTGAGGCCCTACCCCCCTCTT-3'
Protein context (NP_000531.2, residues 3708-3728): TALTEKSKLD[Glu3718Asp]DYLYMAYADI